The following is an entry in ClinVar:

NM_000215.4(JAK3):c.1208G>A (p.Arg403His)

Gene: JAK3 (Janus kinase 3; minus strand). Cytogenetic location: 19p13.11.
Variant type: single nucleotide variant.
Coding change: c.1208G>A on transcript NM_000215.4 (MANE Select); coding-DNA position 1208, G replaced by A.
Protein change: p.Arg403His; replaces arginine 403 with histidine.
Molecular consequence: missense variant.
Genome position (GRCh38, 1-based): chr19:17,840,276, C>T on the plus strand (G>A on the coding strand, the complement: JAK3 is on the minus strand). VCF-style: chr19-17840276-C-T. GRCh37 (hg19) VCF-style: chr19-17951085-C-T.
Other names: NM_000215.4(JAK3):c.1208G>A; p.Arg403His; short protein forms R403H.
Identifiers: ClinVar variation 803543 (VCV000803543.5), dbSNP rs1599876167, ClinGen allele CA404770617.
Genomic context (GRCh38, chr19:17,840,276, plus strand): 5'-AGCAGTAGACCGACCTGGACACAGACAGTGAGGAGGAAGCTGTCAAAGTCCTGGGGGCTG[C>T]GGCGGAGAACATAGGAGCCAGGACGTGAGCCCCCAGTCTTGAGCTTGTTGATGGCAAAGT-3'
Protein context (NP_000206.2, residues 393-413): GSRPGSYVLR[Arg403His]SPQDFDSFLL

ClinVar aggregate classification (germline): Likely pathogenic. Review status: reviewed by expert panel (3 of 4 stars). 4 submissions from 4 submitters: Likely pathogenic (1). 3 of the submissions do not count toward it. Last evaluated 2026-08-03.

Conditions:
T-B+ severe combined immunodeficiency due to JAK3 deficiency. Also called: SCID, T CELL-NEGATIVE, B CELL-POSITIVE, NK CELL-NEGATIVE; SCID, autosomal recessive, T-negative/B-positive type. Identifiers: Orphanet 35078, MedGen C1833275, MONDO:0010938, OMIM 600802.
Severe combined immunodeficiency disease. Also called: Severe combined immunodeficiency; Severe Combined Immune Deficiency. Identifiers: Orphanet 183660, MedGen C0085110, MeSH D016511, MONDO:0015974, HP:0004430. Inheritance: X-Linked or Autosomal recessive.

Allele frequency attached by ClinVar (database versions not stated): TOPMed below 0.00001; gnomAD 0.00001; gnomAD exomes 0.00001.
gnomAD v4.1: 7 of 1,613,850 alleles (0.00043%); highest among the groups gnomAD compares: East Asian, 0.0022%; no homozygotes.

Submissions (4):

ClinGen Severe Combined Immunodeficiency Variant Curation Expert Panel, ClinGen
Classification: Likely pathogenic for T-B+ severe combined immunodeficiency due to JAK3 deficiency. Last evaluated: 2026-08-03. Review status: reviewed by expert panel. Criteria: ClinGen SCID ACMG Specifications JAK3 V2.3. Collection method: curation. Allele origin: germline. Inheritance: Autosomal recessive inheritance.
Comment: The NM_000215.4(JAK3):c.1208G>A variant in JAK3 is a missense variant predicted to cause substitution of Arginine by Histidine at amino acid 304 (p. p.Arg403His). The Grpmax filtering allele frequency of this variant is 0.00000365 in gnomAD v4.1.1, which is lower than the ClinGen SCID VCEP threshold (<0.000115) for PM2_supporting, therefore meets this criterion (PM2_Supporting). No homozygotes has been observed. This variant has been observed in homozygous state in two patients diagnosed with leaky SCID and atypical SCID, respectively (PMID: 26545580, 31456805). Additionally, this variant was found in homozygous state in a patient with primary immunodeficiency (PID) presenting with hypogammaglobulinemia (PMID: 31203817). Each affected homozygous SCID patient was assigned 0.5 points, for a total of 1.0 point, meeting the PM3_Moderate criterion. At least one patient was diagnosed with leaky SCID (0.5 point); reduced JAK3 tyrosine phosphorylation was confirmed by immunoblot, with alternative causes not formally excluded (1.0 point); and reduced STAT5 phosphorylation was confirmed by flow cytometry in an EBV transformed B-cell line (1.0 point, PMID: 26545580). A total of 2.5 points were assigned, meeting the PP4_Moderate criterion. JAK3 western blot analysis on peripheral blood and an EBV-transformed B-cell line showed reduced protein expression. On tyrosine-phosphorylation immunoblot, JAK3 phosphorylation appeared very low, consistent with the reduced JAK3 levels. Reduced STAT5 phosphorylation was confirmed by flow cytometry in an EBV-transformed B-cell line (PMID: 26545580; PS3_Supporting).. In summary, this variant meets the criteria to be classified as a Likely Pathogenic variant for autosomal recessive severe combined immunodeficiency due to JAK3 deficiency based on the ACMG/AMP criteria applied, as specified by the ClinGen SCID VCEP: PM3, PP4_Moderate, PM2_Supporting, PS3_Supporting (VCEP specifications version 2.3.0).

Women's Health and Genetics/Laboratory Corporation of America, LabCorp
Classification: Pathogenic for Severe combined immunodeficiency disease. Last evaluated: 2026-04-06. Review status: criteria provided, single submitter. Criteria: LabCorp Variant Classification Summary - May 2015. Collection method: clinical testing. Allele origin: germline. Not counted in ClinVar's aggregate classification.
Comment: Variant summary: JAK3 c.1208G>A (p.Arg403His) results in a non-conservative amino acid change in the encoded protein sequence. Algorithms developed to predict the effect of missense changes on protein structure and function are either unavailable or do not agree on the potential impact of this missense change. The frequency data for this variant in gnomAD is considered unreliable, as metrics indicate poor data quality at this position. c.1208G>A has been observed in the homozygous state in at least 2 individual(s) affected with clinical features of Severe Combined Immunodeficiency (example, Scarselli_2016, Cirillo_2019, Arts_2019). These data indicate that the variant is likely to be associated with disease. At least two publications report experimental evidence evaluating an impact on protein function in vitro and in patient cells. The most pronounced variant effect results in 10%-<30% of normal phosphorylation activity and protein expression (example, Degryse_2014, Scarselli_2016). A different variant affecting the same codon has been classified as likely pathogenic/pathogenic (c.1207C>T, p.Arg403Cys), supporting the critical relevance of codon 403 to JAK3 protein function. The following publications have been ascertained in the context of this evaluation (PMID: 26545580, 31456805, 25193870, 31203817). ClinVar contains an entry for this variant (Variation ID: 803543). Based on the evidence outlined above, the variant was classified as pathogenic.

Fulgent Genetics
Classification: Likely pathogenic for T-B+ severe combined immunodeficiency due to JAK3 deficiency. Last evaluated: 2024-03-13. Review status: criteria provided, single submitter. Criteria: ACMG Guidelines, 2015. Collection method: clinical testing. Allele origin: germline. Not counted in ClinVar's aggregate classification.

Mendelics
Classification: Likely pathogenic for T-B+ severe combined immunodeficiency due to JAK3 deficiency. Last evaluated: 2019-05-28. Review status: criteria provided, single submitter. Criteria: Mendelics Assertion Criteria 2017. Collection method: clinical testing. Allele origin: unknown. Not counted in ClinVar's aggregate classification.

Literature cited by the submitters: PubMed 25193870 (cited by Women's Health and Genetics/Laboratory Corporation of America, LabCorp); PubMed 31203817 (cited by Women's Health and Genetics/Laboratory Corporation of America, LabCorp); PubMed 26545580 (cited by Women's Health and Genetics/Laboratory Corporation of America, LabCorp); PubMed 31456805 (cited by Women's Health and Genetics/Laboratory Corporation of America, LabCorp).